The following is an entry in ClinVar:

ClinVar aggregate classification (germline): Uncertain significance (1 of 4 stars; one submission).

Allele frequency attached by ClinVar (database versions not stated): gnomAD exomes 0.00004; ExAC 0.00006; ESP Exome Variant Server 0.00008; gnomAD 0.00010; TOPMed 0.00010.
gnomAD v4.1: 71 of 1,614,112 alleles (0.0044%); highest among the groups gnomAD compares: South Asian, 0.042%; no homozygotes.

Submission:

Labcorp Genetics (formerly Invitae), Labcorp
Classification: Uncertain significance. Last evaluated: 2022-08-09. Review status: criteria provided, single submitter. Criteria: Invitae Variant Classification Sherloc (09022015). Collection method: clinical testing. Allele origin: germline.
Comment: This sequence change replaces arginine, which is basic and polar, with histidine, which is basic and polar, at codon 237 of the BSND protein (p.Arg237His). This variant is present in population databases (rs138955530, gnomAD 0.04%). This variant has not been reported in the literature in individuals affected with BSND-related conditions. Algorithms developed to predict the effect of missense changes on protein structure and function output the following: SIFT: "Tolerated"; PolyPhen-2: "Benign"; Align-GVGD: "Class C0". The histidine amino acid residue is found in multiple mammalian species, which suggests that this missense change does not adversely affect protein function. In summary, the available evidence is currently insufficient to determine the role of this variant in disease. Therefore, it has been classified as a Variant of Uncertain Significance.

NM_057176.3(BSND):c.710G>A (p.Arg237His)

Gene: BSND (barttin CLCNK type accessory subunit beta; plus strand). Cytogenetic location: 1p32.3.
Variant type: single nucleotide variant.
Coding change: c.710G>A on transcript NM_057176.3 (MANE Select); coding-DNA position 710, G replaced by A.
Protein change: p.Arg237His; replaces arginine 237 with histidine.
Molecular consequence: missense variant.
Genome position (GRCh38, 1-based): chr1:55,008,375, G>A. VCF-style: chr1-55008375-G-A. GRCh37 (hg19) VCF-style: chr1-55474048-G-A.
Other names: short protein forms R237H.
Identifiers: ClinVar variation 2141799 (VCV002141799.1), dbSNP rs138955530, ClinGen allele CA871405.